The following is an entry in ClinVar:

ClinVar aggregate classification (germline): Likely benign. Review status: criteria provided, multiple submitters, no conflicts (2 of 4 stars). 2 submissions from 2 submitters: Likely benign (2). Last evaluated 2026-05-26.

Conditions:
Gastrointestinal stromal tumor. Also called: Gastrointestinal stromal tumor, somatic; Gastrointestinal stroma tumor. Identifiers: Orphanet 44890, MedGen C0238198, MeSH D046152, MONDO:0011719, OMIM 606764, HP:0100723.

Allele frequency attached by ClinVar (database versions not stated): gnomAD exomes below 0.00001 and 0.00002; ExAC 0.00002; gnomAD 0.00002; TOPMed 0.00002.
gnomAD v4.1: 8 of 1,490,042 alleles (0.00054%); highest among the groups gnomAD compares: East Asian, 0.016%; no homozygotes.

Submissions (2):

Myriad Genetics, Inc.
Classification: Likely benign for Gastrointestinal stromal tumor. Last evaluated: 2026-05-26. Review status: criteria provided, single submitter. Criteria: Myriad Autosomal Dominant, Autosomal Recessive and X-Linked Classification Criteria (2023). Collection method: clinical testing. Allele origin: unknown.
Comment: This variant is considered likely benign. This variant is intronic and is not expected to impact mRNA splicing.

Labcorp Genetics (formerly Invitae), Labcorp
Classification: Likely benign for Gastrointestinal stromal tumor. Last evaluated: 2025-12-07. Review status: criteria provided, single submitter. Criteria: Invitae Variant Classification Sherloc (09022015). Collection method: clinical testing. Allele origin: germline.

NM_000222.3(KIT):c.1116-17T>C

Gene: KIT (KIT proto-oncogene, receptor tyrosine kinase; plus strand). Cytogenetic location: 4q12.
Variant type: single nucleotide variant.
Coding change: c.1116-17T>C on transcript NM_000222.3 (MANE Select); 17 bases into the intron before coding-DNA position 1116, T replaced by C.
Molecular consequence: intron variant.
Genome position (GRCh38, 1-based): chr4:54,709,407, T>C. VCF-style: chr4-54709407-T-C. GRCh37 (hg19) VCF-style: chr4-55575573-T-C.
Other names: c.1119-17T>C (NM_001385284.1, NM_001385290.1, NM_001385288.1 and 1 more transcripts); c.1116-17T>C (NM_001385285.1, NM_001093772.2, NM_001385286.1).
Identifiers: ClinVar variation 1534122 (VCV001534122.9), dbSNP rs745626921, ClinGen allele CA2923388.